The following is an entry in ClinVar:

NM_018130.3(SHQ1):c.767T>C (p.Phe256Ser)

Gene: SHQ1 (SHQ1, H/ACA ribonucleoprotein assembly factor; minus strand). Cytogenetic location: 3p13.
Variant type: single nucleotide variant.
Coding change: c.767T>C on transcript NM_018130.3 (MANE Select); coding-DNA position 767, T replaced by C.
Protein change: p.Phe256Ser; replaces phenylalanine 256 with serine.
Molecular consequence: missense variant.
Genome position (GRCh38, 1-based): chr3:72,817,345, A>G on the plus strand (T>C on the coding strand, the complement: SHQ1 is on the minus strand). VCF-style: chr3-72817345-A-G. GRCh37 (hg19) VCF-style: chr3-72866496-A-G.
Other names: short protein forms F256S.
Identifiers: ClinVar variation 3893397 (VCV003893397.2).

ClinVar aggregate classification (germline): Uncertain significance (1 of 4 stars; one submission).

gnomAD v4.1: 1 of 1,612,704 alleles (0.000062%); highest among the groups gnomAD compares: African/African-American, 0.0013%; no homozygotes.

Submission:

GeneDx
Classification: Uncertain significance. Last evaluated: 2026-01-16. Review status: criteria provided, single submitter. Criteria: GeneDx Variant Classification Process June 2021. Collection method: clinical testing. Allele origin: germline.
Comment: Not observed at significant frequency in large population cohorts (gnomAD); In silico analysis supports that this missense variant has a deleterious effect on protein structure/function; Has not been previously published as pathogenic or benign to our knowledge